The following is an entry in ClinVar:

ClinVar aggregate classification (germline): Likely pathogenic (1 of 4 stars; one submission).

gnomAD v4.1: 9 of 1,613,172 alleles (0.00056%); highest among the groups gnomAD compares: Non-Finnish European, 0.00068%; no homozygotes.

Submission:

Labcorp Genetics (formerly Invitae), Labcorp
Classification: Likely pathogenic. Last evaluated: 2025-10-29. Review status: criteria provided, single submitter. Criteria: Invitae Variant Classification Sherloc (09022015). Collection method: clinical testing. Allele origin: germline.
Comment: This sequence change affects an acceptor splice site in intron 20 of the COL9A1 gene. It is expected to disrupt RNA splicing. Variants that disrupt the donor or acceptor splice site typically lead to a loss of protein function (PMID: 16199547), and loss-of-function variants in COL9A1 are known to be pathogenic (PMID: 16909383, 21421862). This variant is not present in population databases (gnomAD no frequency). This variant has not been reported in the literature in individuals affected with COL9A1-related conditions. Algorithms developed to predict the effect of sequence changes on RNA splicing suggest that this variant may disrupt the consensus splice site. In summary, the currently available evidence indicates that the variant is pathogenic, but additional data are needed to prove that conclusively. Therefore, this variant has been classified as Likely Pathogenic.

Literature cited by the submitters: PubMed 16199547; PubMed 16909383; PubMed 21421862.

NM_001851.6(COL9A1):c.1450-2A>G

Gene: COL9A1 (collagen type IX alpha 1 chain; minus strand). Cytogenetic location: 6q13.
Variant type: single nucleotide variant.
Coding change: c.1450-2A>G on transcript NM_001851.6 (MANE Select); the canonical splice acceptor site of the intron before coding-DNA position 1450, A replaced by G.
Molecular consequence: splice acceptor variant.
Genome position (GRCh38, 1-based): chr6:70,256,823, T>C on the plus strand (A>G on the coding strand, the complement: COL9A1 is on the minus strand). VCF-style: chr6-70256823-T-C. GRCh37 (hg19) VCF-style: chr6-70966526-T-C.
Other names: c.721-2A>G (NM_001377290.1, NM_078485.4, NM_001377289.1).
Identifiers: ClinVar variation 4809132 (VCV004809132.1).